The following is an entry in ClinVar:

ClinVar aggregate classification (germline): Uncertain significance (1 of 4 stars; one submission).

gnomAD v4.1: 29 of 1,613,934 alleles (0.0018%); highest among the groups gnomAD compares: African/African-American, 0.0027%; no homozygotes.

Submission:

Labcorp Genetics (formerly Invitae), Labcorp
Classification: Uncertain significance. Last evaluated: 2024-07-12. Review status: criteria provided, single submitter. Criteria: Invitae Variant Classification Sherloc (09022015). Collection method: clinical testing. Allele origin: germline.
Comment: This sequence change replaces methionine, which is neutral and non-polar, with isoleucine, which is neutral and non-polar, at codon 385 of the STAT4 protein (p.Met385Ile). This variant is present in population databases (rs376043190, gnomAD 0.003%). This variant has not been reported in the literature in individuals affected with STAT4-related conditions. Advanced modeling of protein sequence and biophysical properties (such as structural, functional, and spatial information, amino acid conservation, physicochemical variation, residue mobility, and thermodynamic stability) performed at Invitae indicates that this missense variant is expected to disrupt STAT4 protein function with a positive predictive value of 80%. In summary, the available evidence is currently insufficient to determine the role of this variant in disease. Therefore, it has been classified as a Variant of Uncertain Significance.

NM_003151.4(STAT4):c.1155G>A (p.Met385Ile)

Gene: STAT4 (signal transducer and activator of transcription 4; minus strand). Cytogenetic location: 2q32.2.
Variant type: single nucleotide variant.
Coding change: c.1155G>A on transcript NM_003151.4 (MANE Select); coding-DNA position 1155, G replaced by A.
Protein change: p.Met385Ile; replaces methionine 385 with isoleucine.
Molecular consequence: missense variant.
Genome position (GRCh38, 1-based): chr2:191,058,069, C>T on the plus strand (G>A on the coding strand, the complement: STAT4 is on the minus strand). VCF-style: chr2-191058069-C-T. GRCh37 (hg19) VCF-style: chr2-191922795-C-T.
Other names: c.1155G>A, p.Met385Ile (NM_001243835.2); short protein forms M385I.
Identifiers: ClinVar variation 3620165 (VCV003620165.2).